The following is an entry in ClinVar:

NM_017780.4(CHD7):c.8233C>G (p.Leu2745Val)

Gene: CHD7 (chromodomain helicase DNA binding protein 7; plus strand). Cytogenetic location: 8q12.2.
Variant type: single nucleotide variant.
Coding change: c.8233C>G on transcript NM_017780.4 (MANE Select); coding-DNA position 8233, C replaced by G.
Protein change: p.Leu2745Val; replaces leucine 2745 with valine.
Molecular consequence: missense variant.
Genome position (GRCh38, 1-based): chr8:60,865,172, C>G. VCF-style: chr8-60865172-C-G. GRCh37 (hg19) VCF-style: chr8-61777731-C-G.
Other names: c.2086C>G, p.Leu696Val (NM_001316690.1); short protein forms L2745V, L696V.
Identifiers: ClinVar variation 1306150 (VCV001306150.4), dbSNP rs2129759389, ClinGen allele CA371307848.

ClinVar aggregate classification (germline): Uncertain significance. Review status: criteria provided, multiple submitters, no conflicts (2 of 4 stars). 3 submissions from 3 submitters: Uncertain significance (3). Last evaluated 2025-11-18.

Conditions:
Hypogonadotropic hypogonadism 5 with or without anosmia (KAL5). Also called: HYPOGONADOTROPIC HYPOGONADISM 5 WITH ANOSMIA; CHD7-Related GnRH Deficiency (Kallmann Syndrome 5); HYPOGONADOTROPHIC HYPOGONADISM 5 WITHOUT ANOSMIA. Identifiers: Orphanet 478, MedGen C3552553, MONDO:0012880, OMIM 612370. Disease mechanism: loss of function.
CHARGE syndrome (CHARGE). Also called: Hittner Hirsch Kreh syndrome; CHARGE ASSOCIATION--COLOBOMA, HEART ANOMALY, CHOANAL ATRESIA, RETARDATION, GENITAL AND EAR ANOMALIES; Coloboma, heart anomaly, choanal atresia, retardation, genital and ear anomalies; CHARGE association; Hall-Hittner syndrome. Identifiers: Orphanet 138, MedGen C0265354, MONDO:0008965.

Submissions (3):

Labcorp Genetics (formerly Invitae), Labcorp
Classification: Uncertain significance for CHARGE syndrome. Last evaluated: 2025-11-18. Review status: criteria provided, single submitter. Criteria: Invitae Variant Classification Sherloc (09022015). Collection method: clinical testing. Allele origin: germline.
Comment: This sequence change replaces leucine, which is neutral and non-polar, with valine, which is neutral and non-polar, at codon 2745 of the CHD7 protein (p.Leu2745Val). This variant is not present in population databases (gnomAD no frequency). This variant has not been reported in the literature in individuals affected with CHD7-related conditions. ClinVar contains an entry for this variant (Variation ID: 1306150). Invitae Evidence Modeling of protein sequence and biophysical properties (such as structural, functional, and spatial information, amino acid conservation, physicochemical variation, residue mobility, and thermodynamic stability) indicates that this missense variant is not expected to disrupt CHD7 protein function with a negative predictive value of 95%. In summary, the available evidence is currently insufficient to determine the role of this variant in disease. Therefore, it has been classified as a Variant of Uncertain Significance.

Fulgent Genetics
Classification: Uncertain significance for CHD7-related CHARGE syndrome; Hypogonadotropic hypogonadism 5 with or without anosmia. Last evaluated: 2023-12-29. Review status: criteria provided, single submitter. Criteria: ACMG Guidelines, 2015. Collection method: clinical testing. Allele origin: germline.

GeneDx
Classification: Uncertain significance. Last evaluated: 2019-05-31. Review status: criteria provided, single submitter. Criteria: GeneDx Variant Classification Process June 2021. Collection method: clinical testing. Allele origin: germline. Affected: yes.
Comment: Not observed in large population cohorts (Lek et al., 2016); In silico analysis, which includes protein predictors and evolutionary conservation, supports that this variant does not alter protein structure/function; Has not been previously published as pathogenic or benign to our knowledge